The following is an entry in ClinVar:

NM_001408.3(CELSR2):c.6041A>C (p.His2014Pro)

Gene: CELSR2 (cadherin EGF LAG seven-pass G-type receptor 2; plus strand). Cytogenetic location: 1p13.3.
Variant type: single nucleotide variant.
Coding change: c.6041A>C on transcript NM_001408.3 (MANE Select); coding-DNA position 6041, A replaced by C.
Protein change: p.His2014Pro; replaces histidine 2014 with proline.
Molecular consequence: missense variant.
Genome position (GRCh38, 1-based): chr1:109,267,575, A>C. VCF-style: chr1-109267575-A-C. GRCh37 (hg19) VCF-style: chr1-109810197-A-C.
Other names: short protein forms H2014P.
Identifiers: ClinVar variation 2398215 (VCV002398215.4), dbSNP rs777625546, ClinGen allele CA987749.

ClinVar aggregate classification (germline): Uncertain significance. Review status: criteria provided, multiple submitters, no conflicts (2 of 4 stars). 2 submissions from 2 submitters: Uncertain significance (2). Last evaluated 2024-11-12.

Allele frequency attached by ClinVar (database versions not stated): ExAC 0.00001; gnomAD 0.00003; gnomAD exomes 0.00003; TOPMed 0.00003.
gnomAD v4.1: 43 of 1,614,012 alleles (0.0027%); highest among the groups gnomAD compares: Non-Finnish European, 0.0036%; no homozygotes.

Submissions (2):

Labcorp Genetics (formerly Invitae), Labcorp
Classification: Uncertain significance. Last evaluated: 2024-11-12. Review status: criteria provided, single submitter. Criteria: Invitae Variant Classification Sherloc (09022015). Collection method: clinical testing. Allele origin: germline.
Comment: This sequence change replaces histidine, which is basic and polar, with proline, which is neutral and non-polar, at codon 2014 of the CELSR2 protein (p.His2014Pro). This variant is present in population databases (rs777625546, gnomAD 0.006%). This variant has not been reported in the literature in individuals affected with CELSR2-related conditions. ClinVar contains an entry for this variant (Variation ID: 2398215). Invitae Evidence Modeling of protein sequence and biophysical properties (such as structural, functional, and spatial information, amino acid conservation, physicochemical variation, residue mobility, and thermodynamic stability) has been performed for this missense variant. However, the output from this modeling did not meet the statistical confidence thresholds required to predict the impact of this variant on CELSR2 protein function. In summary, the available evidence is currently insufficient to determine the role of this variant in disease. Therefore, it has been classified as a Variant of Uncertain Significance.

Ambry Genetics
Classification: Uncertain significance. Last evaluated: 2022-10-05. Review status: criteria provided, single submitter. Criteria: Ambry Variant Classification Scheme 2023. Collection method: clinical testing. Allele origin: germline.